The following is an entry in ClinVar:

ClinVar aggregate classification (germline): Pathogenic. Review status: criteria provided, multiple submitters, no conflicts (2 of 4 stars). 2 submissions from 2 submitters: Pathogenic (2). Last evaluated 2024-10-14.

Conditions:
Inborn genetic diseases. Identifiers: MedGen C0950123, MeSH D030342.
SLC2A1-related disorder. Also called: SLC2A1-related condition; SLC2A1-related disorders.

Submissions (2):

Blueprint Genetics
Classification: Pathogenic for SLC2A1-related disorders. Last evaluated: 2024-10-14. Review status: criteria provided, single submitter. Criteria: ACMG Guidelines, 2015. Collection method: clinical testing. Allele origin: germline. Affected: yes. Observed: 1 variant allele.

Ambry Genetics
Classification: Pathogenic for Inborn genetic diseases. Last evaluated: 2022-01-20. Review status: criteria provided, single submitter. Criteria: Ambry Variant Classification Scheme 2023. Collection method: clinical testing. Allele origin: germline.
Comment: The c.1A>T (p.M1?) alteration is located in coding exon 1 of the SLC2A1 gene and results from an A to T substitution at nucleotide position 1. This alters the methionine residue at the initiation codon (ATG). Sequence variations that modify the initiation codon are expected to result in either loss of translation initiation, N-terminal truncation, or cause a shift in the mRNA reading frame. This variant was not reported in population-based cohorts in the Genome Aggregation Database (gnomAD). This amino acid position is highly conserved in available vertebrate species. Based on the available evidence, this alteration is classified as pathogenic.

NM_006516.4(SLC2A1):c.1A>T (p.Met1Leu)

Gene: SLC2A1 (solute carrier family 2 member 1; minus strand). Cytogenetic location: 1p34.2.
Variant type: single nucleotide variant.
Coding change: c.1A>T on transcript NM_006516.4 (MANE Select); coding-DNA position 1, A replaced by T.
Protein change: p.Met1Leu; changes the start codon (methionine 1).
Molecular consequence: missense variant, initiator codon variant.
Genome position (GRCh38, 1-based): chr1:42,958,651, T>A on the plus strand (A>T on the coding strand, the complement: SLC2A1 is on the minus strand). VCF-style: chr1-42958651-T-A. GRCh37 (hg19) VCF-style: chr1-43424322-T-A.
Other names: short protein forms M1L.
Identifiers: ClinVar variation 2264109 (VCV002264109.4), dbSNP rs2124478725, ClinGen allele CA339965905.